The following is an entry in ClinVar:

ClinVar aggregate classification (germline): Uncertain significance (1 of 4 stars; one submission).

Conditions:
Inborn genetic diseases. Identifiers: MedGen C0950123, MeSH D030342.

Submission:

Ambry Genetics
Classification: Uncertain significance for Inborn genetic diseases. Last evaluated: 2022-05-23. Review status: criteria provided, single submitter. Criteria: Ambry Variant Classification Scheme 2023. Collection method: clinical testing. Allele origin: germline.
Comment: The p.S411L variant (also known as c.1232C>T), located in coding exon 11 of the LRRK2 gene, results from a C to T substitution at nucleotide position 1232. The serine at codon 411 is replaced by leucine, an amino acid with dissimilar properties. This amino acid position is conserved. In addition, the in silico prediction for this alteration is inconclusive. Since supporting evidence is limited at this time, the clinical significance of this alteration remains unclear.

NM_198578.4(LRRK2):c.1232C>T (p.Ser411Leu)

Gene: LRRK2 (leucine rich repeat kinase 2; plus strand). Cytogenetic location: 12q12.
Variant type: single nucleotide variant.
Coding change: c.1232C>T on transcript NM_198578.4 (MANE Select); coding-DNA position 1232, C replaced by T.
Protein change: p.Ser411Leu; replaces serine 411 with leucine.
Molecular consequence: missense variant.
Genome position (GRCh38, 1-based): chr12:40,252,960, C>T. VCF-style: chr12-40252960-C-T. GRCh37 (hg19) VCF-style: chr12-40646762-C-T.
Other names: short protein forms S411L.
Identifiers: ClinVar variation 1755893 (VCV001755893.2), dbSNP rs2136485826, ClinGen allele CA384409406.